The following is an entry in ClinVar:

ClinVar aggregate classification (germline): Uncertain significance (1 of 4 stars; one submission).

Conditions:
Autosomal dominant polycystic kidney disease. Identifiers: Orphanet 730, MedGen C0085413, MONDO:0004691.

Submission:

Labcorp Genetics (formerly Invitae), Labcorp
Classification: Uncertain significance for Autosomal dominant polycystic kidney disease. Last evaluated: 2022-09-27. Review status: criteria provided, single submitter. Criteria: Invitae Variant Classification Sherloc (09022015). Collection method: clinical testing. Allele origin: germline.
Comment: In summary, the available evidence is currently insufficient to determine the role of this variant in disease. Therefore, it has been classified as a Variant of Uncertain Significance. Advanced modeling of protein sequence and biophysical properties (such as structural, functional, and spatial information, amino acid conservation, physicochemical variation, residue mobility, and thermodynamic stability) performed at Invitae indicates that this missense variant is expected to disrupt PKD2 protein function. ClinVar contains an entry for this variant (Variation ID: 651562). This variant has not been reported in the literature in individuals affected with PKD2-related conditions. This variant is not present in population databases (gnomAD no frequency). This sequence change replaces isoleucine, which is neutral and non-polar, with lysine, which is basic and polar, at codon 526 of the PKD2 protein (p.Ile526Lys).

NM_000297.4(PKD2):c.1577T>A (p.Ile526Lys)

Gene: PKD2 (polycystin 2, transient receptor potential cation channel; plus strand). Cytogenetic location: 4q22.1.
Variant type: single nucleotide variant.
Coding change: c.1577T>A on transcript NM_000297.4 (MANE Select); coding-DNA position 1577, T replaced by A.
Protein change: p.Ile526Lys; replaces isoleucine 526 with lysine.
Molecular consequence: missense variant. On other transcripts: non-coding transcript variant (1).
Genome position (GRCh38, 1-based): chr4:88,052,019, T>A. VCF-style: chr4-88052019-T-A. GRCh37 (hg19) VCF-style: chr4-88973171-T-A.
Other names: short protein forms I526K.
Identifiers: ClinVar variation 651562 (VCV000651562.8), dbSNP rs1578139175, ClinGen allele CA357621467.